The following is an entry in ClinVar:

NM_198129.4(LAMA3):c.2374G>A (p.Val792Ile)

Gene: LAMA3 (laminin subunit alpha 3; plus strand). Cytogenetic location: 18q11.2.
Variant type: single nucleotide variant.
Coding change: c.2374G>A on transcript NM_198129.4 (MANE Select); coding-DNA position 2374, G replaced by A.
Protein change: p.Val792Ile; replaces valine 792 with isoleucine.
Molecular consequence: missense variant.
Genome position (GRCh38, 1-based): chr18:23,822,321, G>A. VCF-style: chr18-23822321-G-A. GRCh37 (hg19) VCF-style: chr18-21402285-G-A.
Other names: c.2374G>A, p.Val792Ile (NM_001127717.4); short protein forms V792I.
Identifiers: ClinVar variation 721039 (VCV000721039.14), dbSNP rs200330511, ClinGen allele CA8914941.

ClinVar aggregate classification (germline): Benign/Likely benign. Review status: criteria provided, multiple submitters, no conflicts (2 of 4 stars). 4 submissions from 4 submitters: Benign (1); Likely benign (2). 1 of the submissions does not count toward it. Last evaluated 2024-11-11.

Conditions:
LAMA3-related disorder. Also called: LAMA3-related disorders; LAMA3-related condition.
Inborn genetic diseases. Identifiers: MedGen C0950123, MeSH D030342.

Allele frequency attached by ClinVar (database versions not stated): TOPMed 0.00028; 1000 Genomes Project 0.00100; gnomAD 0.00026 and 0.00030; ExAC 0.00041; gnomAD exomes 0.00011 and 0.00046; 1000 Genomes Project 30x 0.00094.
gnomAD v4.1: 325 of 1,613,670 alleles (0.02%); highest among the groups gnomAD compares: East Asian, 0.34%; 6 homozygotes.

Submissions (4):

Blueprint Genetics
Classification: Likely benign. Last evaluated: 2024-11-11. Review status: criteria provided, single submitter. Criteria: ACMG Guidelines, 2015. Collection method: clinical testing. Allele origin: germline.

Labcorp Genetics (formerly Invitae), Labcorp
Classification: Benign. Last evaluated: 2024-01-18. Review status: criteria provided, single submitter. Criteria: Invitae Variant Classification Sherloc (09022015). Collection method: clinical testing. Allele origin: germline.

Ambry Genetics
Classification: Likely benign for Inborn genetic diseases. Last evaluated: 2021-10-12. Review status: criteria provided, single submitter. Criteria: Ambry Variant Classification Scheme 2023. Collection method: clinical testing. Allele origin: germline.

PreventionGenetics, part of Exact Sciences
Classification: Likely benign for LAMA3-related condition. Last evaluated: 2020-02-17. Review status: no assertion criteria provided. Collection method: clinical testing. Allele origin: germline. Not counted in ClinVar's aggregate classification.
Comment: This variant is classified as likely benign based on ACMG/AMP sequence variant interpretation guidelines (Richards et al. 2015 PMID: 25741868, with internal and published modifications).